The following is an entry in ClinVar:

NM_000238.4(KCNH2):c.59G>C (p.Arg20Pro)

Gene: KCNH2 (potassium voltage-gated channel subfamily H member 2; minus strand). Cytogenetic location: 7q36.1.
Variant type: single nucleotide variant.
Coding change: c.59G>C on transcript NM_000238.4 (MANE Select); coding-DNA position 59, G replaced by C.
Protein change: p.Arg20Pro; replaces arginine 20 with proline.
Molecular consequence: missense variant.
Genome position (GRCh38, 1-based): chr7:150,977,855, C>G on the plus strand (G>C on the coding strand, the complement: KCNH2 is on the minus strand). VCF-style: chr7-150977855-C-G. GRCh37 (hg19) VCF-style: chr7-150674943-C-G.
Other names: c.59G>C, p.Arg20Pro (NM_172056.3); short protein forms R20P.
Identifiers: ClinVar variation 2132570 (VCV002132570.4), dbSNP rs2486167154, ClinGen allele CA369866657.

ClinVar aggregate classification (germline): Uncertain significance (1 of 4 stars; one submission).

Conditions:
Long QT syndrome (LQTS). Identifiers: MedGen C0023976, MeSH D008133, MONDO:0002442. Disease mechanism: loss of function. Inheritance: Various modes of inheritance.

Submission:

Labcorp Genetics (formerly Invitae), Labcorp
Classification: Uncertain significance for Long QT syndrome. Last evaluated: 2025-03-24. Review status: criteria provided, single submitter. Criteria: Invitae Variant Classification Sherloc (09022015). Collection method: clinical testing. Allele origin: germline.
Comment: This sequence change replaces arginine, which is basic and polar, with proline, which is neutral and non-polar, at codon 20 of the KCNH2 protein (p.Arg20Pro). This variant is not present in population databases (gnomAD no frequency). This missense change has been observed in individual(s) with clinical features of long QT syndrome (internal data). ClinVar contains an entry for this variant (Variation ID: 2132570). An algorithm developed to predict the effect of missense changes on protein structure and function (PolyPhen-2) suggests that this variant is likely to be disruptive. In summary, the available evidence is currently insufficient to determine the role of this variant in disease. Therefore, it has been classified as a Variant of Uncertain Significance.